The following is an entry in ClinVar:

NM_005591.4(MRE11):c.1885C>G (p.Gln629Glu)

Gene: MRE11 (MRE11 double strand break repair nuclease; minus strand). Cytogenetic location: 11q21.
Variant type: single nucleotide variant.
Coding change: c.1885C>G on transcript NM_005591.4 (MANE Select); coding-DNA position 1885, C replaced by G.
Protein change: p.Gln629Glu; replaces glutamine 629 with glutamic acid.
Molecular consequence: missense variant.
Genome position (GRCh38, 1-based): chr11:94,437,218, G>C on the plus strand (C>G on the coding strand, the complement: MRE11 is on the minus strand). VCF-style: chr11-94437218-G-C. GRCh37 (hg19) VCF-style: chr11-94170384-G-C.
Other names: c.1882C>G, p.Gln628Glu (NM_001330347.2); c.1801C>G, p.Gln601Glu (NM_005590.4); short protein forms Q601E, Q628E, Q629E.
Identifiers: ClinVar variation 1800282 (VCV001800282.2), dbSNP rs1157436927, ClinGen allele CA382374831.

ClinVar aggregate classification (germline): Uncertain significance (1 of 4 stars; one submission).

Conditions:
Hereditary cancer-predisposing syndrome. Also called: Neoplastic Syndromes, Hereditary; Tumor predisposition; Hereditary Cancer Syndrome; Hereditary neoplastic syndrome. Identifiers: Orphanet 140162, MedGen C0027672, MeSH D009386, MONDO:0015356.

Allele frequency attached by ClinVar (database versions not stated): gnomAD 0.00001.
gnomAD v4.1: 1 of 1,612,872 alleles (0.000062%); highest among the groups gnomAD compares: Non-Finnish European, 0.000085%; no homozygotes.

Submission:

Ambry Genetics
Classification: Uncertain significance for Hereditary cancer-predisposing syndrome. Last evaluated: 2022-09-12. Review status: criteria provided, single submitter. Criteria: Ambry Variant Classification Scheme 2023. Collection method: clinical testing. Allele origin: germline.
Comment: The p.Q629E variant (also known as c.1885C>G), located in coding exon 16 of the MRE11A gene, results from a C to G substitution at nucleotide position 1885. The glutamine at codon 629 is replaced by glutamic acid, an amino acid with highly similar properties. This amino acid position is highly conserved in available vertebrate species. In addition, the in silico prediction for this alteration is inconclusive. Since supporting evidence is limited at this time, the clinical significance of this alteration remains unclear.